The following is an entry in ClinVar:

ClinVar aggregate classification (germline): Likely benign. Review status: criteria provided, multiple submitters, no conflicts (2 of 4 stars). 2 submissions from 2 submitters: Likely benign (2). Last evaluated 2026-10-01.

Conditions:
Leigh syndrome (NULS). Also called: Leigh's syndrome; Leigh Disease; Leigh's necrotizing encephalopathy; Leigh's disease; Leigh Syndrome (mtDNA deletion); Subacute necrotizing encephalopathy. Identifiers: Orphanet 506, MedGen C2931891, MONDO:0009723, OMIM 256000.

Allele frequency attached by ClinVar (database versions not stated): gnomAD exomes 0.00003.

Submissions (2):

CeGaT Center for Human Genetics Tuebingen
Classification: Likely benign. Last evaluated: 2026-10-01. Review status: criteria provided, single submitter. Criteria: CeGaT Center For Human Genetics Tuebingen Variant Classification Criteria Version 2. Collection method: clinical testing. Allele origin: germline. Affected: yes. Observed: 1 variant allele.
Comment: SURF1: BP4, BP7

Labcorp Genetics (formerly Invitae), Labcorp
Classification: Likely benign for Leigh syndrome. Last evaluated: 2026-01-28. Review status: criteria provided, single submitter. Criteria: Invitae Variant Classification Sherloc (09022015). Collection method: clinical testing. Allele origin: germline.

NM_003172.4(SURF1):c.441G>A (p.Arg147=)

Gene: SURF1 (SURF1 cytochrome c oxidase assembly factor; minus strand). Cytogenetic location: 9q34.2.
Variant type: single nucleotide variant.
Coding change: c.441G>A on transcript NM_003172.4 (MANE Select); coding-DNA position 441, G replaced by A.
Protein change: p.Arg147=; no amino-acid change (arginine 147 retained).
Molecular consequence: synonymous variant.
Genome position (GRCh38, 1-based): chr9:133,353,823, C>T on the plus strand (G>A on the coding strand, the complement: SURF1 is on the minus strand). VCF-style: chr9-133353823-C-T. GRCh37 (hg19) VCF-style: chr9-136220678-C-T.
Other names: c.114G>A, p.Arg38= (NM_001280787.1).
Identifiers: ClinVar variation 1979964 (VCV001979964.5), dbSNP rs866833349, ClinGen allele CA200833011.